The following is an entry in ClinVar:

ClinVar aggregate classification (germline): Pathogenic. Review status: criteria provided, multiple submitters, no conflicts (2 of 4 stars). 2 submissions from 2 submitters: Pathogenic (2). Last evaluated 2026-01-07.

Conditions:
Wagner disease. Also called: HYALOIDEORETINAL DEGENERATION OF WAGNER; WAGNER VITREORETINAL DEGENERATION; WAGNER VITREORETINOPATHY; WAGNER SYNDROME 1; Wagner syndrome; Wagner Vitreoretinal Degeneration (Wagner Synrdome). Identifiers: Orphanet 898, MedGen C1840452, MONDO:0007740, OMIM 143200.

Submissions (2):

Institute of Medical Genetics and Applied Genomics, University Hospital Tübingen
Classification: Pathogenic for Wagner disease. Last evaluated: 2026-01-07. Review status: criteria provided, single submitter. Criteria: ACMG Guidelines, 2015. Collection method: clinical testing. Allele origin: germline. Inheritance: Autosomal dominant inheritance. Affected: yes.

Labcorp Genetics (formerly Invitae), Labcorp
Classification: Pathogenic. Last evaluated: 2025-11-24. Review status: criteria provided, single submitter. Criteria: Invitae Variant Classification Sherloc (09022015). Collection method: clinical testing. Allele origin: germline.
Comment: This sequence change affects a donor splice site in intron 8 of the VCAN gene. RNA analysis indicates that disruption of this splice site induces altered splicing and likely results in a shortened protein product. This variant is not present in population databases (gnomAD no frequency). Disruption of this splice site has been observed in individuals with clinical features of Wagner syndrome (PMID: 16636652, 19901218, 22739342). It has also been observed to segregate with disease in related individuals. ClinVar contains an entry for this variant (Variation ID: 859925). Studies have shown that disruption of this splice site results in skipping of exon 8, but is expected to preserve the integrity of the reading-frame (PMID: 16636652, 22739342). For these reasons, this variant has been classified as Pathogenic.

Literature cited by the submitters: PubMed 16636652 (cited by Labcorp Genetics (formerly Invitae), Labcorp); PubMed 19901218 (cited by Labcorp Genetics (formerly Invitae), Labcorp); PubMed 22739342 (cited by Labcorp Genetics (formerly Invitae), Labcorp).

NM_004385.5(VCAN):c.9265+1G>C

Genes: VCAN (versican; plus strand), VCAN-AS1 (VCAN antisense RNA 1; minus strand). Cytogenetic location: 5q14.3.
Variant type: single nucleotide variant.
Coding change: c.9265+1G>C on transcript NM_004385.5 (MANE Select); the canonical splice donor site of the intron after coding-DNA position 9265, G replaced by C.
Molecular consequence: splice donor variant. On other transcripts: intron variant (2).
Genome position (GRCh38, 1-based): chr5:83,542,269, G>C. VCF-style: chr5-83542269-G-C. GRCh37 (hg19) VCF-style: chr5-82838088-G-C.
Other names: c.4004-3268G>C (NM_001164098.2); c.6304+1G>C (NM_001164097.2); c.1043-3268G>C (NM_001126336.3).
Identifiers: ClinVar variation 859925 (VCV000859925.8), dbSNP rs80356553, ClinGen allele CA360295715.